The following is an entry in ClinVar:

ClinVar aggregate classification (germline): Uncertain significance. Review status: criteria provided, multiple submitters, no conflicts (2 of 4 stars). 2 submissions from 2 submitters: Uncertain significance (2). Last evaluated 2025-12-29.

Conditions:
Cardiovascular phenotype. Identifiers: MedGen CN230736.

Submissions (2):

Ambry Genetics
Classification: Uncertain significance for Cardiovascular phenotype. Last evaluated: 2025-12-29. Review status: criteria provided, single submitter. Criteria: Ambry Variant Classification Scheme 2023. Collection method: clinical testing. Allele origin: germline.
Comment: The p.G247S variant (also known as c.739G>A), located in coding exon 4 of the ACTC1 gene, results from a G to A substitution at nucleotide position 739. The glycine at codon 247 is replaced by serine, an amino acid with similar properties. This amino acid position is highly conserved in available vertebrate species. In addition, this alteration is predicted to be deleterious by in silico analysis. Based on the available evidence, the clinical significance of this variant remains unclear.

Laboratory for Molecular Medicine, Mass General Brigham Personalized Medicine
Classification: Uncertain significance. Last evaluated: 2014-10-22. Review status: criteria provided, single submitter. Criteria: LMM Criteria. Collection method: clinical testing. Allele origin: germline. Observed: 1 variant allele.
Comment: The p.Gly247Ser variant in ACTC1 has not been previously reported in individuals with cardiomyopathy or in large population studies. Computational prediction to ols and conservation analysis suggest that this variant may impact the protein, though this information is not predictive enough to determine pathogenicity. In summary, the clinical significance of the p.Gly247Ser variant is uncertain.

NM_005159.5(ACTC1):c.739G>A (p.Gly247Ser)

Genes: ACTC1 (actin alpha cardiac muscle 1; minus strand), GJD2-DT (GJD2 divergent transcript; plus strand). Cytogenetic location: 15q14.
Variant type: single nucleotide variant.
Coding change: c.739G>A on transcript NM_005159.5 (MANE Select); coding-DNA position 739, G replaced by A.
Protein change: p.Gly247Ser; replaces glycine 247 with serine.
Molecular consequence: missense variant.
Genome position (GRCh38, 1-based): chr15:34,792,159, C>T on the plus strand (G>A on the coding strand, the complement: ACTC1 is on the minus strand). VCF-style: chr15-34792159-C-T. GRCh37 (hg19) VCF-style: chr15-35084360-C-T.
Other names: short protein forms G247S.
Identifiers: ClinVar variation 180075 (VCV000180075.5), dbSNP rs727505330, ClinGen allele CA019884.
Genomic context (GRCh38, chr15:34,792,159, plus strand): 5'-AGGGCTGGAAGAGTGTCTCAGGACAGCGGAAGCGCTCATTGCCAATAGTGATGACTTGGC[C>T]ATCAGGCAGTTCATAGCTCTTCTCCAGGGAGGAGGAAGAGGCAGCTGTGGCCATCTCATT-3'
Protein context (NP_005150.1, residues 237-257): SLEKSYELPD[Gly247Ser]QVITIGNERF